The following is an entry in ClinVar:

ClinVar aggregate classification (germline): Uncertain significance. Review status: criteria provided, multiple submitters, no conflicts (2 of 4 stars). 3 submissions from 3 submitters: Uncertain significance (3). Last evaluated 2024-07-01.

Conditions:
RASopathy. Also called: Noonan spectrum disorder; rasopathies. Identifiers: Orphanet 536391, MedGen C5555857, MONDO:0021060.
Noonan syndrome 1 (NS1). Also called: FEMALE PSEUDO-TURNER SYNDROME; TURNER PHENOTYPE WITH NORMAL KARYOTYPE; PTPN11-Related Noonan Syndrome. Identifiers: Orphanet 648, MedGen C4551602, MONDO:0008104, OMIM 163950. Disease mechanism: gain of function.
Juvenile myelomonocytic leukemia (JMML). Also called: LEUKEMIA, JUVENILE MYELOMONOCYTIC, SOMATIC. Identifiers: Orphanet 86834, MedGen C0349639, MONDO:0011908, OMIM 607785, HP:0012209.
Metachondromatosis (METCDS). Identifiers: Orphanet 2499, MedGen C0410530, MONDO:0007979, OMIM 156250.
LEOPARD syndrome 1 (LPRD1). Also called: LENTIGINOSIS, CARDIOMYOPATHIC; MULTIPLE LENTIGINES SYNDROME; PTPN11-Related LEOPARD Syndrome. Identifiers: Orphanet 500, MedGen C4551484, MONDO:0100082, OMIM 151100.
Cardiovascular phenotype. Identifiers: MedGen CN230736.

Allele frequency attached by ClinVar (database versions not stated): ExAC 0.00001.
gnomAD v4.1: 2 of 1,613,686 alleles (0.00012%); highest among the groups gnomAD compares: Non-Finnish European, 0.00017%; no homozygotes.

Submissions (3):

Labcorp Genetics (formerly Invitae), Labcorp
Classification: Uncertain significance for RASopathy. Last evaluated: 2024-07-01. Review status: criteria provided, single submitter. Criteria: Invitae Variant Classification Sherloc (09022015). Collection method: clinical testing. Allele origin: germline.
Comment: This sequence change replaces arginine, which is basic and polar, with glutamine, which is neutral and polar, at codon 186 of the PTPN11 protein (p.Arg186Gln). This variant is present in population databases (rs764663951, gnomAD 0.0009%). This variant has not been reported in the literature in individuals affected with PTPN11-related conditions. ClinVar contains an entry for this variant (Variation ID: 1748415). Advanced modeling of protein sequence and biophysical properties (such as structural, functional, and spatial information, amino acid conservation, physicochemical variation, residue mobility, and thermodynamic stability) performed at Invitae indicates that this missense variant is not expected to disrupt PTPN11 protein function with a negative predictive value of 95%. In summary, the available evidence is currently insufficient to determine the role of this variant in disease. Therefore, it has been classified as a Variant of Uncertain Significance.

Fulgent Genetics
Classification: Uncertain significance for LEOPARD syndrome 1; Metachondromatosis; Noonan syndrome 1; Juvenile myelomonocytic leukemia. Last evaluated: 2024-03-04. Review status: criteria provided, single submitter. Criteria: ACMG Guidelines, 2015. Collection method: clinical testing. Allele origin: germline.

Ambry Genetics
Classification: Uncertain significance for Cardiovascular phenotype. Last evaluated: 2022-01-05. Review status: criteria provided, single submitter. Criteria: Ambry Variant Classification Scheme 2023. Collection method: clinical testing. Allele origin: germline.
Comment: The p.R186Q variant (also known as c.557G>A), located in coding exon 5 of the PTPN11 gene, results from a G to A substitution at nucleotide position 557. The arginine at codon 186 is replaced by glutamine, an amino acid with highly similar properties. This amino acid position is conserved. In addition, the in silico prediction for this alteration is inconclusive. Since supporting evidence is limited at this time, the clinical significance of this alteration remains unclear.

NM_002834.5(PTPN11):c.557G>A (p.Arg186Gln)

Gene: PTPN11 (protein tyrosine phosphatase non-receptor type 11; plus strand). Cytogenetic location: 12q24.13.
Variant type: single nucleotide variant.
Coding change: c.557G>A on transcript NM_002834.5 (MANE Select); coding-DNA position 557, G replaced by A.
Protein change: p.Arg186Gln; replaces arginine 186 with glutamine.
Molecular consequence: missense variant.
Genome position (GRCh38, 1-based): chr12:112,454,595, G>A. VCF-style: chr12-112454595-G-A. GRCh37 (hg19) VCF-style: chr12-112892399-G-A.
Other names: c.557G>A, p.Arg186Gln (NM_001330437.2, NM_080601.3); c.554G>A, p.Arg185Gln (NM_001374625.1); short protein forms R185Q, R186Q.
Identifiers: ClinVar variation 1748415 (VCV001748415.5), dbSNP rs764663951, ClinGen allele CA6798578.